The following is an entry in ClinVar:

NM_003073.5(SMARCB1):c.734T>C (p.Ile245Thr)

Gene: SMARCB1 (SWI/SNF related BAF chromatin remodeling complex subunit B1; plus strand). Cytogenetic location: 22q11.23.
Variant type: single nucleotide variant.
Coding change: c.734T>C on transcript NM_003073.5 (MANE Select); coding-DNA position 734, T replaced by C.
Protein change: p.Ile245Thr; replaces isoleucine 245 with threonine.
Molecular consequence: missense variant.
Genome position (GRCh38, 1-based): chr22:23,816,875, T>C. VCF-style: chr22-23816875-T-C. GRCh37 (hg19) VCF-style: chr22-24159062-T-C.
Other names: c.734T>C (LRG_520t1); c.707T>C, p.Ile236Thr (NM_001007468.3); c.761T>C, p.Ile254Thr (NM_001317946.2); c.788T>C, p.Ile263Thr (NM_001362877.2); short protein forms I245T, I263T, I236T, I254T.
Identifiers: ClinVar variation 486503 (VCV000486503.5), dbSNP rs1555879350, ClinGen allele CA410901573.

ClinVar aggregate classification (germline): Uncertain significance (1 of 4 stars; one submission).

Conditions:
Hereditary cancer-predisposing syndrome. Also called: Tumor predisposition; Hereditary Cancer Syndrome; Hereditary neoplastic syndrome; Neoplastic Syndromes, Hereditary. Identifiers: Orphanet 140162, MedGen C0027672, MeSH D009386, MONDO:0015356.

Submission:

Ambry Genetics
Classification: Uncertain significance for Hereditary cancer-predisposing syndrome. Last evaluated: 2017-06-02. Review status: criteria provided, single submitter. Criteria: Ambry Variant Classification Scheme 2023. Collection method: clinical testing. Allele origin: germline.
Comment: The p.I245T variant (also known as c.734T>C), located in coding exon 6 of the SMARCB1 gene, results from a T to C substitution at nucleotide position 734. The isoleucine at codon 245 is replaced by threonine, an amino acid with similar properties. This amino acid position is highly conserved in available vertebrate species. In addition, this alteration is predicted to be deleterious by in silico analysis. Since supporting evidence is limited at this time, the clinical significance of this alteration remains unclear.